The following is an entry in ClinVar:

ClinVar aggregate classification (germline): Uncertain significance. Review status: criteria provided, multiple submitters, no conflicts (2 of 4 stars). 2 submissions from 2 submitters: Uncertain significance (2). Last evaluated 2021-11-12.

Conditions:
Muscular dystrophy, limb-girdle, autosomal recessive 23. Identifiers: Orphanet 565837, MedGen C4748327, MONDO:0029136, OMIM 618138.
Merosin deficient congenital muscular dystrophy (MDC1A). Also called: Congenital Muscular Dystrophy Type 1A (MDC1A); Congenital merosin-deficient muscular dystrophy 1A. Identifiers: Orphanet 258, MedGen C1263858, MONDO:0011925, OMIM 607855.
LAMA2-related muscular dystrophy (LAMA2-RD). Also called: Laminin alpha 2-related dystrophy. Identifiers: MedGen C5679788, MONDO:0100228.

Allele frequency attached by ClinVar (database versions not stated): gnomAD exomes below 0.00001; gnomAD 0.00003; TOPMed 0.00003.
gnomAD v4.1: 7 of 1,613,954 alleles (0.00043%); highest among the groups gnomAD compares: African/African-American, 0.0067%; no homozygotes.

Submissions (2):

Fulgent Genetics
Classification: Uncertain significance for Merosin deficient congenital muscular dystrophy; Muscular dystrophy, limb-girdle, autosomal recessive 23. Last evaluated: 2021-11-12. Review status: criteria provided, single submitter. Criteria: ACMG Guidelines, 2015. Collection method: clinical testing. Allele origin: unknown.

Labcorp Genetics (formerly Invitae), Labcorp
Classification: Uncertain significance for LAMA2-related muscular dystrophy. Last evaluated: 2021-09-01. Review status: criteria provided, single submitter. Criteria: Invitae Variant Classification Sherloc (09022015). Collection method: clinical testing. Allele origin: germline.
Comment: This sequence change replaces asparagine with serine at codon 870 of the LAMA2 protein (p.Asn870Ser). The asparagine residue is moderately conserved and there is a small physicochemical difference between asparagine and serine. This variant is not present in population databases (ExAC no frequency). This variant has not been reported in the literature in individuals affected with LAMA2-related conditions. Algorithms developed to predict the effect of missense changes on protein structure and function are either unavailable or do not agree on the potential impact of this missense change (SIFT: "Deleterious"; PolyPhen-2: "Probably Damaging"; Align-GVGD: "Class C0"). Algorithms developed to predict the effect of sequence changes on RNA splicing suggest that this variant may create or strengthen a splice site. In summary, the available evidence is currently insufficient to determine the role of this variant in disease. Therefore, it has been classified as a Variant of Uncertain Significance.

NM_000426.4(LAMA2):c.2609A>G (p.Asn870Ser)

Gene: LAMA2 (laminin subunit alpha 2; plus strand). Cytogenetic location: 6q22.33.
Variant type: single nucleotide variant.
Coding change: c.2609A>G on transcript NM_000426.4 (MANE Select); coding-DNA position 2609, A replaced by G.
Protein change: p.Asn870Ser; replaces asparagine 870 with serine.
Molecular consequence: missense variant.
Genome position (GRCh38, 1-based): chr6:129,287,918, A>G. VCF-style: chr6-129287918-A-G. GRCh37 (hg19) VCF-style: chr6-129609063-A-G.
Other names: c.2609A>G, p.Asn870Ser (NM_001079823.2); short protein forms N870S.
Identifiers: ClinVar variation 969594 (VCV000969594.7), dbSNP rs1322715021, ClinGen allele CA365609850.